The following is an entry in ClinVar:

NM_032380.5(GFM2):c.46C>A (p.Pro16Thr)

Gene: GFM2 (GTP dependent ribosome recycling factor mitochondrial 2; minus strand). Cytogenetic location: 5q13.3.
Variant type: single nucleotide variant.
Coding change: c.46C>A on transcript NM_032380.5 (MANE Select); coding-DNA position 46, C replaced by A.
Protein change: p.Pro16Thr; replaces proline 16 with threonine.
Molecular consequence: missense variant. On other transcripts: non-coding transcript variant (1).
Genome position (GRCh38, 1-based): chr5:74,763,697, G>T on the plus strand (C>A on the coding strand, the complement: GFM2 is on the minus strand). VCF-style: chr5-74763697-G-T. GRCh37 (hg19) VCF-style: chr5-74059522-G-T.
Other names: c.142C>A, p.Pro48Thr (NM_001281302.2); c.46C>A, p.Pro16Thr (NM_170681.3, NM_170691.3); short protein forms P16T, P48T.
Identifiers: ClinVar variation 1470544 (VCV001470544.6), dbSNP rs1330925242, ClinGen allele CA360065192.
Genomic context (GRCh38, chr5:74,763,697, plus strand): 5'-CTGAGGTTGTTAAAGGACACTTAATTTTATAAGAAATGCTTACATTAATATACACACTGG[G>T]TATTGTCTGATGACTCATTGCAAATATCCTCAAGTTGGTCAACATCTTGATCCTCCAAAC-3'
Protein context (NP_115756.2, residues 6-26): RIFAMSHQTI[Pro16Thr]SVYINNICCY

ClinVar aggregate classification (germline): Uncertain significance (1 of 4 stars; one submission).

Allele frequency attached by ClinVar (database versions not stated): gnomAD exomes below 0.00001.
gnomAD v4.1: 5 of 1,586,584 alleles (0.00032%); highest among the groups gnomAD compares: Non-Finnish European, 0.00043%; no homozygotes.

Submission:

Labcorp Genetics (formerly Invitae), Labcorp
Classification: Uncertain significance. Last evaluated: 2021-10-24. Review status: criteria provided, single submitter. Criteria: Invitae Variant Classification Sherloc (09022015). Collection method: clinical testing. Allele origin: germline.
Comment: This variant has not been reported in the literature in individuals affected with GFM2-related conditions. In summary, the available evidence is currently insufficient to determine the role of this variant in disease. Therefore, it has been classified as a Variant of Uncertain Significance. Algorithms developed to predict the effect of missense changes on protein structure and function (SIFT, PolyPhen-2, Align-GVGD) all suggest that this variant is likely to be tolerated. This variant is not present in population databases (ExAC no frequency). This sequence change replaces proline with threonine at codon 16 of the GFM2 protein (p.Pro16Thr). The proline residue is weakly conserved and there is a small physicochemical difference between proline and threonine.